The following is an entry in ClinVar:

ClinVar aggregate classification (germline): Pathogenic. Review status: reviewed by expert panel (3 of 4 stars). 2 submissions from 2 submitters: Pathogenic (1). 1 of the submissions does not count toward it. Last evaluated 2016-10-18.

Conditions:
Breast-ovarian cancer, familial, susceptibility to, 2 (BROVCA2). Also called: BRCA2 Hereditary Breast and Ovarian Cancer. Identifiers: Orphanet 145, MedGen C2675520, MONDO:0012933, OMIM 612555. Disease mechanism: loss of function.

Submissions (2):

Evidence-based Network for the Interpretation of Germline Mutant Alleles (ENIGMA)
Classification: Pathogenic for Breast-ovarian cancer, familial, susceptibility to, 2. Last evaluated: 2016-10-18. Review status: reviewed by expert panel. Criteria: ENIGMA BRCA1/2 Classification Criteria (2015). Collection method: curation. Allele origin: germline.
Comment: Variant allele predicted to encode a truncated non-functional protein.

Consortium of Investigators of Modifiers of BRCA1/2 (CIMBA), c/o University of Cambridge
Classification: Pathogenic for Breast-ovarian cancer, familial, susceptibility to, 2. Last evaluated: 2015-10-02. Review status: criteria provided, single submitter. Criteria: CIMBA Mutation Classification guidelines May 2016. Collection method: clinical testing. Allele origin: germline. Not counted in ClinVar's aggregate classification.

NC_000013.11:g.32339905_32339921delinsTTGGCT

Gene: BRCA2 (BRCA2 DNA repair associated; plus strand). Cytogenetic location: 13q13.1.
Variant type: Indel.
Genome position: GRCh38 VCF-style: chr13-32339905-AATCGTTTGTGTTTCAC-TTGGCT. GRCh37 (hg19) VCF-style: chr13-32914042-AATCGTTTGTGTTTCAC-TTGGCT.
Other names: 5778_5794delinsTTGGCT; c.5550_5566delinsTTGGCT, p.Lys1850fs (LRG_293t1).
Identifiers: ClinVar variation 266880 (VCV000266880.5), dbSNP rs886040595, ClinGen allele CA10589317.
Genomic context (GRCh38, chr13:32,339,905, plus strand): 5'-CATATCTAATAGTAATAATTTTGAGGTAGGGCCACCTGCATTTAGGATAGCCAGTGGTAA[AATCGTTTGTGTTTCAC>TTGGCT]ATGAAACAATTAAAAAAGTGAAAGACATATTTACAGACAGTTTCAGTAAAGTAATTAAGG-3'